The following is an entry in ClinVar:

ClinVar aggregate classification (germline): Uncertain significance (1 of 4 stars; one submission).

gnomAD v4.1: 11 of 1,614,028 alleles (0.00068%); highest among the groups gnomAD compares: Admixed American, 0.018%; no homozygotes.

Submission:

Labcorp Genetics (formerly Invitae), Labcorp
Classification: Uncertain significance. Last evaluated: 2025-04-17. Review status: criteria provided, single submitter. Criteria: Invitae Variant Classification Sherloc (09022015). Collection method: clinical testing. Allele origin: germline.
Comment: This sequence change replaces lysine, which is basic and polar, with asparagine, which is neutral and polar, at codon 1022 of the ATRN protein (p.Lys1022Asn). This variant is present in population databases (no rsID available, gnomAD 0.02%). This variant has not been reported in the literature in individuals affected with ATRN-related conditions. An algorithm developed to predict the effect of missense changes on protein structure and function (PolyPhen-2) suggests that this variant is likely to be tolerated. In summary, the available evidence is currently insufficient to determine the role of this variant in disease. Therefore, it has been classified as a Variant of Uncertain Significance.

NM_139321.3(ATRN):c.3066A>C (p.Lys1022Asn)

Gene: ATRN (attractin; plus strand). Cytogenetic location: 20p13.
Variant type: single nucleotide variant.
Coding change: c.3066A>C on transcript NM_139321.3 (MANE Select); coding-DNA position 3066, A replaced by C.
Protein change: p.Lys1022Asn; replaces lysine 1022 with asparagine.
Molecular consequence: missense variant.
Genome position (GRCh38, 1-based): chr20:3,584,762, A>C. VCF-style: chr20-3584762-A-C. GRCh37 (hg19) VCF-style: chr20-3565409-A-C.
Other names: c.2718A>C, p.Lys906Asn (NM_001207047.3); c.3066A>C, p.Lys1022Asn (NM_001323332.2, NM_139322.4); short protein forms K1022N, K906N.
Identifiers: ClinVar variation 4777197 (VCV004777197.1).